The following is an entry in ClinVar:

NM_001134363.3(RBM20):c.1280G>A (p.Trp427Ter)

Gene: RBM20 (RNA binding motif protein 20; plus strand). Cytogenetic location: 10q25.2.
Variant type: single nucleotide variant.
Coding change: c.1280G>A on transcript NM_001134363.3 (MANE Select); coding-DNA position 1280, G replaced by A.
Protein change: p.Trp427Ter; replaces tryptophan 427 with a stop codon.
Molecular consequence: nonsense.
Genome position (GRCh38, 1-based): chr10:110,783,370, G>A. VCF-style: chr10-110783370-G-A. GRCh37 (hg19) VCF-style: chr10-112543128-G-A.
Other names: short protein forms W427*.
Identifiers: ClinVar variation 2710290 (VCV002710290.3), dbSNP rs1431456617, ClinGen allele CA378386985.

ClinVar aggregate classification (germline): Pathogenic (1 of 4 stars; one submission).

Conditions:
Dilated cardiomyopathy 1DD (CMD1DD). Identifiers: Orphanet 154, MedGen C2750995, MONDO:0013168, OMIM 613172.

Allele frequency attached by ClinVar (database versions not stated): gnomAD exomes below 0.00001.
gnomAD v4.1: 1 of 1,550,936 alleles (0.000064%); highest among the groups gnomAD compares: East Asian, 0.0024%; no homozygotes.

Submission:

Labcorp Genetics (formerly Invitae), Labcorp
Classification: Pathogenic for Dilated cardiomyopathy 1DD. Last evaluated: 2025-11-21. Review status: criteria provided, single submitter. Criteria: Invitae Variant Classification Sherloc (09022015). Collection method: clinical testing. Allele origin: germline.
Comment: This sequence change creates a premature translational stop signal (p.Trp427*) in the RBM20 gene. It is expected to result in an absent or disrupted protein product. Loss-of-function variants in RBM20 are known to be pathogenic (PMID: 20590677, 22004663, 38288598, 38510713, 40339755). The frequency data for this variant in the population databases is considered unreliable, as metrics indicate poor data quality at this position in the gnomAD database. This variant has not been reported in the literature in individuals affected with RBM20-related conditions. ClinVar contains an entry for this variant (Variation ID: 2710290). For these reasons, this variant has been classified as Pathogenic.

Literature cited by the submitters: PubMed 20590677; PubMed 22004663; PubMed 38288598; PubMed 38510713; PubMed 40339755.